The following is an entry in ClinVar:

ClinVar aggregate classification (germline): Pathogenic. Review status: reviewed by expert panel (3 of 4 stars). 3 submissions from 3 submitters: Pathogenic (1). 2 of the submissions do not count toward it. Last evaluated 2016-09-08.

Conditions:
Hereditary breast ovarian cancer syndrome. Also called: Hereditary breast and ovarian cancer; Hereditary breast and ovarian cancer syndrome (HBOC); Hereditary breast and/or ovarian cancer syndrome; Breast and ovarian cancer; Hereditary breast and ovarian cancer syndrome; BRCA1- and BRCA2-Associated Hereditary Breast and Ovarian Cancer. Identifiers: Orphanet 145, MedGen C0677776, MeSH D061325, MONDO:0003582. Disease mechanism: loss of function.
Breast-ovarian cancer, familial, susceptibility to, 2 (BROVCA2). Also called: BRCA2 Hereditary Breast and Ovarian Cancer. Identifiers: Orphanet 145, MedGen C2675520, MONDO:0012933, OMIM 612555. Disease mechanism: loss of function.

Submissions (3):

Evidence-based Network for the Interpretation of Germline Mutant Alleles (ENIGMA)
Classification: Pathogenic for Breast-ovarian cancer, familial, susceptibility to, 2. Last evaluated: 2016-09-08. Review status: reviewed by expert panel. Criteria: ENIGMA BRCA1/2 Classification Criteria (2015). Collection method: curation. Allele origin: germline.
Comment: Variant allele predicted to encode a truncated non-functional protein.

Labcorp Genetics (formerly Invitae), Labcorp
Classification: Pathogenic for Hereditary breast ovarian cancer syndrome. Last evaluated: 2021-08-22. Review status: criteria provided, single submitter. Criteria: Invitae Variant Classification Sherloc (09022015). Collection method: clinical testing. Allele origin: germline. Not counted in ClinVar's aggregate classification.
Comment: This sequence change creates a premature translational stop signal (p.Gly1338Alafs*36) in the BRCA2 gene. It is expected to result in an absent or disrupted protein product. Loss-of-function variants in BRCA2 are known to be pathogenic (PMID: 20104584). This variant is not present in population databases (ExAC no frequency). This premature translational stop signal has been observed in individual(s) with clinical features of BRCA2-related conditions (PMID: 21520333). ClinVar contains an entry for this variant (Variation ID: 37873). For these reasons, this variant has been classified as Pathogenic.

Sharing Clinical Reports Project (SCRP)
Classification: Pathogenic for Breast-ovarian cancer, familial 2. Last evaluated: 2010-10-25. Review status: no assertion criteria provided. Collection method: clinical testing. Allele origin: germline. Not counted in ClinVar's aggregate classification.

Literature cited by the submitters: PubMed 20104584 (cited by Labcorp Genetics (formerly Invitae), Labcorp); PubMed 21520333 (cited by Labcorp Genetics (formerly Invitae), Labcorp).

NM_000059.4(BRCA2):c.4013del (p.Gly1338fs)

Gene: BRCA2 (BRCA2 DNA repair associated; plus strand). Cytogenetic location: 13q13.1.
Variant type: Deletion.
Coding change: c.4013del on transcript NM_000059.4 (MANE Select); coding-DNA position 4013, one base deleted (G; older notation c.4013delG).
Protein change: p.Gly1338fs; shifts the reading frame from glycine 1338.
Molecular consequence: frameshift variant.
Genome position (GRCh38, 1-based): chr13:32,338,368, G deleted; the last of 2 consecutive G bases (chr13:32,338,367-32,338,368); deleting either gives the same sequence. VCF-style (leftmost placement, unchanged base first): chr13-32338366-TG-T. GRCh37 (hg19) VCF-style: chr13-32912503-TG-T.
Other names: 4241delG; c.4013delG (NM_000059.3); short protein forms G1338fs.
Identifiers: ClinVar variation 37873 (VCV000037873.10), dbSNP rs397507321, ClinGen allele CA019392.